The following is an entry in ClinVar:

NM_020686.6(ABAT):c.168+6T>A

Gene: ABAT (4-aminobutyrate aminotransferase; plus strand). Cytogenetic location: 16p13.2.
Variant type: single nucleotide variant.
Coding change: c.168+6T>A on transcript NM_020686.6 (MANE Select); 6 bases into the intron after coding-DNA position 168, T replaced by A.
Molecular consequence: intron variant.
Genome position (GRCh38, 1-based): chr16:8,746,104, T>A. VCF-style: chr16-8746104-T-A. GRCh37 (hg19) VCF-style: chr16-8839961-T-A.
Other names: c.168+6T>A (NM_001386602.1, NM_001386615.1, NM_001386609.1 and 11 more transcripts); c.71-2004T>A (NM_001386610.1); c.70+10295T>A (NM_001386614.1); c.33+6T>A (NM_001386611.1, NM_001386612.1, NM_001386613.1).
Identifiers: ClinVar variation 857056 (VCV000857056.10), dbSNP rs2059320859, ClinGen allele CA916083482.

ClinVar aggregate classification (germline): Uncertain significance (1 of 4 stars; one submission).

Conditions:
Gamma-aminobutyric acid transaminase deficiency (GABATD). Also called: GABA aminotransaminase deficiency; GABA transaminase deficiency; Gamma aminobutyrate transaminase deficiency; 4 alpha aminobutyrate transaminase deficiency. Identifiers: Orphanet 2066, MedGen C0342708, MONDO:0013166, OMIM 613163.

Submission:

Labcorp Genetics (formerly Invitae), Labcorp
Classification: Uncertain significance for Gamma-aminobutyric acid transaminase deficiency. Last evaluated: 2022-09-27. Review status: criteria provided, single submitter. Criteria: Invitae Variant Classification Sherloc (09022015). Collection method: clinical testing. Allele origin: germline.
Comment: This variant has not been reported in the literature in individuals affected with ABAT-related conditions. In summary, the available evidence is currently insufficient to determine the role of this variant in disease. Therefore, it has been classified as a Variant of Uncertain Significance. Variants that disrupt the consensus splice site are a relatively common cause of aberrant splicing (PMID: 17576681, 9536098). Algorithms developed to predict the effect of sequence changes on RNA splicing suggest that this variant is not likely to affect RNA splicing. ClinVar contains an entry for this variant (Variation ID: 857056). This variant is not present in population databases (gnomAD no frequency). This sequence change falls in intron 3 of the ABAT gene. It does not directly change the encoded amino acid sequence of the ABAT protein. It affects a nucleotide within the consensus splice site.

Literature cited by the submitters: PubMed 17576681; PubMed 9536098.